The following is an entry in ClinVar:

ClinVar aggregate classification (germline): Conflicting classifications of pathogenicity. Review status: criteria provided, conflicting classifications (1 of 4 stars). 4 submissions from 4 submitters: Uncertain significance (1); Benign (2); Likely benign (1). Last evaluated 2026-05-01.

Allele frequency attached by ClinVar (database versions not stated): TOPMed 0.00036; ESP Exome Variant Server 0.00046; 1000 Genomes Project 0.00100; 1000 Genomes Project 30x 0.00109; gnomAD exomes 0.00024 and 0.00032; gnomAD 0.00026 and 0.00029; ExAC 0.00032.

Submissions (4):

CeGaT Center for Human Genetics Tuebingen
Classification: Likely benign. Last evaluated: 2026-05-01. Review status: criteria provided, single submitter. Criteria: CeGaT Center For Human Genetics Tuebingen Variant Classification Criteria Version 2. Collection method: clinical testing. Allele origin: germline. Affected: yes. Observed: 1 variant allele.
Comment: CDT1: BS2

Labcorp Genetics (formerly Invitae), Labcorp
Classification: Benign. Last evaluated: 2026-01-26. Review status: criteria provided, single submitter. Criteria: Invitae Variant Classification Sherloc (09022015). Collection method: clinical testing. Allele origin: germline.

Blueprint Genetics
Classification: Uncertain significance. Last evaluated: 2024-10-14. Review status: criteria provided, single submitter. Criteria: ACMG Guidelines, 2015. Collection method: clinical testing. Allele origin: germline.

Breakthrough Genomics
Classification: Benign. Review status: criteria provided, single submitter. Criteria: ACMG Guidelines, 2015. Collection method: not provided. Allele origin: germline. Inheritance: Autosomal recessive inheritance. Affected: yes.

NM_030928.4(CDT1):c.592C>T (p.Arg198Cys)

Gene: CDT1 (chromatin licensing and DNA replication factor 1; plus strand). Cytogenetic location: 16q24.3.
Variant type: single nucleotide variant.
Coding change: c.592C>T on transcript NM_030928.4 (MANE Select); coding-DNA position 592, C replaced by T.
Protein change: p.Arg198Cys; replaces arginine 198 with cysteine.
Molecular consequence: missense variant.
Genome position (GRCh38, 1-based): chr16:88,805,543, C>T. VCF-style: chr16-88805543-C-T. GRCh37 (hg19) VCF-style: chr16-88871951-C-T.
Other names: short protein forms R198C.
Identifiers: ClinVar variation 1674675 (VCV001674675.12), dbSNP rs140700251, ClinGen allele CA8233716.